The following is an entry in ClinVar:

NM_000038.6(APC):c.2408C>G (p.Thr803Ser)

Gene: APC (APC regulator of Wnt signaling pathway; plus strand). Cytogenetic location: 5q22.2.
Variant type: single nucleotide variant.
Coding change: c.2408C>G on transcript NM_000038.6 (MANE Select); coding-DNA position 2408, C replaced by G.
Protein change: p.Thr803Ser; replaces threonine 803 with serine.
Molecular consequence: missense variant.
Genome position (GRCh38, 1-based): chr5:112,838,002, C>G. VCF-style: chr5-112838002-C-G. GRCh37 (hg19) VCF-style: chr5-112173699-C-G.
Other names: c.2408C>G, p.Thr803Ser (NM_001127510.3, NM_001354895.2); c.2354C>G, p.Thr785Ser (NM_001127511.3); c.2462C>G, p.Thr821Ser (NM_001354896.2); c.2438C>G, p.Thr813Ser (NM_001354897.2); c.2333C>G, p.Thr778Ser (NM_001354898.2); c.2324C>G, p.Thr775Ser (NM_001354899.2); c.2285C>G, p.Thr762Ser (NM_001354900.2); c.2231C>G, p.Thr744Ser (NM_001354901.2); and 5 more; short protein forms T785S, T803S, T813S, T677S, T520S, T744S, T762S, T778S.
Identifiers: ClinVar variation 482400 (VCV000482400.24), dbSNP rs587780591, ClinGen allele CA16026625.

ClinVar aggregate classification (germline): Uncertain significance. Review status: criteria provided, multiple submitters, no conflicts (2 of 4 stars). 5 submissions from 5 submitters: Uncertain significance (5). Last evaluated 2025-09-11.

Conditions:
Hereditary cancer-predisposing syndrome. Also called: Neoplastic Syndromes, Hereditary; Tumor predisposition; Hereditary Cancer Syndrome; Hereditary neoplastic syndrome. Identifiers: Orphanet 140162, MedGen C0027672, MeSH D009386, MONDO:0015356.
Familial adenomatous polyposis 1 (FAP1). Also called: FAMILIAL ADENOMATOUS POLYPOSIS 1, ATTENUATED; POLYPOSIS, ADENOMATOUS INTESTINAL. Identifiers: MedGen C2713442, MONDO:0021056, OMIM 175100. Disease mechanism: loss of function.
Classic or attenuated familial adenomatous polyposis. Identifiers: MedGen CN372698, MONDO:0021057.

Submissions (5):

Color Diagnostics, LLC DBA Color Health
Classification: Uncertain significance for Hereditary cancer-predisposing syndrome. Last evaluated: 2025-09-11. Review status: criteria provided, single submitter. Criteria: ACMG Guidelines, 2015. Collection method: clinical testing. Allele origin: germline.
Comment: This missense variant replaces threonine with serine at codon 803 of the APC protein. Computational prediction suggests that this variant may not impact protein structure and function. APC is defined as a gene for which primarily truncating variants are known to cause disease (ClinGen HCCP VCEP). To our knowledge, functional studies have not been reported for this variant. This variant has not been reported in individuals affected with APC-related disorders in the literature. This variant has not been identified in the general population by the Genome Aggregation Database (gnomAD). The available evidence is insufficient to determine the role of this variant in disease conclusively. Therefore, this variant is classified as a Variant of Uncertain Significance.

All of Us Research Program, National Institutes of Health
Classification: Uncertain significance for Classic or attenuated familial adenomatous polyposis. Last evaluated: 2023-07-19. Review status: criteria provided, single submitter. Criteria: ACMG Guidelines, 2015. Collection method: clinical testing. Allele origin: germline. Inheritance: Autosomal dominant inheritance. Observed: 1 variant allele, 1 heterozygote.
Comment: This missense variant replaces threonine with serine at codon 803 of the APC protein. Computational prediction suggests that this variant may not impact protein structure and function (internally defined REVEL score threshold <= 0.5, PMID: 27666373). To our knowledge, functional studies have not been reported for this variant. This variant has not been reported in individuals affected with APC-related disorders in the literature. This variant has not been identified in the general population by the Genome Aggregation Database (gnomAD). The available evidence is insufficient to determine the role of this variant in disease conclusively. Therefore, this variant is classified as a Variant of Uncertain Significance.

This study involves interpretation of variants in research participants for the purpose of population health screening. Participant phenotype was not available at the time of variant classification. Additional details can be found in publication PMID: 35346344, PMCID: PMC8962531

Labcorp Genetics (formerly Invitae), Labcorp
Classification: Uncertain significance for Familial adenomatous polyposis 1. Last evaluated: 2022-09-30. Review status: criteria provided, single submitter. Criteria: Invitae Variant Classification Sherloc (09022015). Collection method: clinical testing. Allele origin: germline.
Comment: Advanced modeling of protein sequence and biophysical properties (such as structural, functional, and spatial information, amino acid conservation, physicochemical variation, residue mobility, and thermodynamic stability) performed at Invitae indicates that this missense variant is not expected to disrupt APC protein function. ClinVar contains an entry for this variant (Variation ID: 482400). This variant has not been reported in the literature in individuals affected with APC-related conditions. This variant is not present in population databases (gnomAD no frequency). This sequence change replaces threonine, which is neutral and polar, with serine, which is neutral and polar, at codon 803 of the APC protein (p.Thr803Ser). Algorithms developed to predict the effect of sequence changes on RNA splicing suggest that this variant may create or strengthen a splice site. In summary, the available evidence is currently insufficient to determine the role of this variant in disease. Therefore, it has been classified as a Variant of Uncertain Significance.

ARUP Laboratories, Molecular Genetics and Genomics, ARUP Laboratories
Classification: Uncertain significance. Last evaluated: 2021-07-21. Review status: criteria provided, single submitter. Criteria: ARUP Molecular Germline Variant Investigation Process 2021. Collection method: clinical testing. Allele origin: germline.
Comment: The APC c.2408C>G; p.Thr803Ser variant (rs587780591), to our knowledge, is not reported in the medical literature but is reported in ClinVar (Variation ID: 482400). This variant is absent from general population databases (Exome Variant Server, Genome Aggregation Database), indicating it is not a common polymorphism. The threonine at codon 803 is weakly conserved, and computational analyses are uncertain whether this variant is neutral or deleterious (REVEL: 0.261). However, due to limited information, the clinical significance of the p.Thr803Ser variant is uncertain at this time.

Ambry Genetics
Classification: Uncertain significance for Hereditary cancer-predisposing syndrome. Last evaluated: 2020-09-24. Review status: criteria provided, single submitter. Criteria: Ambry Variant Classification Scheme 2023. Collection method: clinical testing. Allele origin: germline.
Comment: The p.T803S variant (also known as c.2408C>G), located in coding exon 15 of the APC gene, results from a C to G substitution at nucleotide position 2408. The threonine at codon 803 is replaced by serine, an amino acid with similar properties. This amino acid position is not well conserved in available vertebrate species. In addition, in silico predictors for this gene do not accurately predict pathogenicity. Since supporting evidence is limited at this time, the clinical significance of this alteration remains unclear.